The following is an entry in ClinVar:

ClinVar aggregate classification (germline): Uncertain significance (1 of 4 stars; one submission).

Submission:

GeneDx
Classification: Uncertain significance. Last evaluated: 2025-07-28. Review status: criteria provided, single submitter. Criteria: GeneDx Variant Classification Process June 2021. Collection method: clinical testing. Allele origin: germline. Affected: yes.
Comment: Not observed at significant frequency in large population cohorts (gnomAD); In silico analysis supports that this missense variant has a deleterious effect on protein structure/function; Has not been previously published as pathogenic or benign to our knowledge

NM_014946.4(SPAST):c.743G>C (p.Arg248Pro)

Gene: SPAST (spastin; plus strand). Cytogenetic location: 2p22.3.
Variant type: single nucleotide variant.
Coding change: c.743G>C on transcript NM_014946.4 (MANE Select); coding-DNA position 743, G replaced by C.
Protein change: p.Arg248Pro; replaces arginine 248 with proline.
Molecular consequence: missense variant.
Genome position (GRCh38, 1-based): chr2:32,114,698, G>C. VCF-style: chr2-32114698-G-C. GRCh37 (hg19) VCF-style: chr2-32339767-G-C.
Other names: c.740G>C, p.Arg247Pro (NM_001363823.2); c.644G>C, p.Arg215Pro (NM_001363875.2); c.647G>C, p.Arg216Pro (NM_001377959.1, NM_199436.2); short protein forms R215P, R216P, R247P, R248P.
Identifiers: ClinVar variation 4689898 (VCV004689898.1).